The following is an entry in ClinVar:

NM_001194.4(HCN2):c.1504G>A (p.Asp502Asn)

Gene: HCN2 (hyperpolarization activated cyclic nucleotide gated potassium and sodium channel 2; plus strand). Cytogenetic location: 19p13.3.
Variant type: single nucleotide variant.
Coding change: c.1504G>A on transcript NM_001194.4 (MANE Select); coding-DNA position 1504, G replaced by A.
Protein change: p.Asp502Asn; replaces aspartic acid 502 with asparagine.
Molecular consequence: missense variant.
Genome position (GRCh38, 1-based): chr19:610,325, G>A. VCF-style: chr19-610325-G-A. GRCh37 (hg19) VCF-style: chr19-610325-G-A.
Other names: short protein forms D502N.
Identifiers: ClinVar variation 1311850 (VCV001311850.4), dbSNP rs1193990526, ClinGen allele CA402879286.

ClinVar aggregate classification (germline): Uncertain significance. Review status: criteria provided, multiple submitters, no conflicts (2 of 4 stars). 3 submissions from 3 submitters: Uncertain significance (2). 1 of the submissions does not count toward it. Last evaluated 2023-11-15.

Conditions:
Epilepsy, idiopathic generalized, susceptibility to, 17 (EIG17). Identifiers: MedGen C5561931, MONDO:0100519, OMIM 602477.

Allele frequency attached by ClinVar (database versions not stated): gnomAD exomes below 0.00001 and 0.00001; gnomAD 0.00001; TOPMed 0.00001.
gnomAD v4.1: 10 of 1,613,714 alleles (0.00062%); highest among the groups gnomAD compares: East Asian, 0.0022%; no homozygotes.

Submissions (3):

Blueprint Genetics
Classification: Uncertain significance. Last evaluated: 2023-11-15. Review status: criteria provided, single submitter. Criteria: ACMG Guidelines, 2015. Collection method: clinical testing. Allele origin: germline.

GeneDx
Classification: Uncertain significance. Last evaluated: 2019-12-31. Review status: criteria provided, single submitter. Criteria: GeneDx Variant Classification Process June 2021. Collection method: clinical testing. Allele origin: germline. Affected: yes.
Comment: In silico analysis, which includes protein predictors and evolutionary conservation, supports a deleterious effect; Has not been previously published as pathogenic or benign to our knowledge

Diagnostics Centre, Carl Von Ossietzky University Oldenburg
Classification: Uncertain significance for Epilepsy, idiopathic generalized, susceptibility to, 17. Last evaluated: 2025-04-01. Review status: no assertion criteria provided. Collection method: clinical testing. Allele origin: germline. Affected: yes. Observed: 1 variant allele. Not counted in ClinVar's aggregate classification.
Comment: The variant HCN2:c.1504G>A p.(Asp502Asn), located in the coding exon 5 of HCN2 gene, results from an guanine to adenine substitution at nucleotide position c.1504. The aspartic acid residue at protein position 520 is replaced by an asparagine. This variant is classified as rare in the overall population (MAF 6.1 * e-6 in gnomAD, v4.1.0). The variant has been classified as variant of uncertain significance on one entry in ClinVar (ClinVar ID: 1311850). In summary, the variant is classified as variant of uncertain significance.